The following is an entry in ClinVar:

NM_001999.4(FBN2):c.2990-298C>T

Genes: FBN2 (fibrillin 2; minus strand), LOC126807501 (BRD4-independent group 4 enhancer GRCh37_chr5:127680731-127681930; plus strand). Cytogenetic location: 5q23.3.
Variant type: single nucleotide variant.
Coding change: c.2990-298C>T on transcript NM_001999.4 (MANE Select); 298 bases into the intron before coding-DNA position 2990, C replaced by T.
Molecular consequence: intron variant.
Genome position (GRCh38, 1-based): chr5:128,345,882, G>A on the plus strand (C>T on the coding strand, the complement: FBN2 is on the minus strand). VCF-style: chr5-128345882-G-A. GRCh37 (hg19) VCF-style: chr5-127681574-G-A.
Identifiers: ClinVar variation 683529 (VCV000683529.1), dbSNP rs468182, ClinGen allele CA15389879.

ClinVar aggregate classification (germline): Benign (1 of 4 stars; one submission).

Allele frequency attached by ClinVar (database versions not stated): TOPMed 0.78393; gnomAD 0.78531 and 0.79035; 1000 Genomes Project 30x 0.80215; 1000 Genomes Project 0.80851.
gnomAD v4.1: 120,233 of 152,124 alleles (79%); highest among the groups gnomAD compares: East Asian, 93%; 47,794 homozygotes.

Submission:

GeneDx
Classification: Benign. Last evaluated: 2018-06-18. Review status: criteria provided, single submitter. Criteria: GeneDx Variant Classification (06012015). Collection method: clinical testing. Allele origin: germline. Affected: yes.
Comment: This variant is considered likely benign or benign based on one or more of the following criteria: it is a conservative change, it occurs at a poorly conserved position in the protein, it is predicted to be benign by multiple in silico algorithms, and/or has population frequency not consistent with disease.